The following is an entry in ClinVar:

NM_000352.6(ABCC8):c.2475+19G>A

Genes: ABCC8 (ATP binding cassette subfamily C member 8; minus strand), LOC110121471 (VISTA enhancer hs1977; plus strand). Cytogenetic location: 11p15.1.
Variant type: single nucleotide variant.
Coding change: c.2475+19G>A on transcript NM_000352.6 (MANE Select); 19 bases into the intron after coding-DNA position 2475, G replaced by A.
Molecular consequence: intron variant.
Genome position (GRCh38, 1-based): chr11:17,413,375, C>T on the plus strand (G>A on the coding strand, the complement: ABCC8 is on the minus strand). VCF-style: chr11-17413375-C-T. GRCh37 (hg19) VCF-style: chr11-17434922-C-T.
Other names: c.2472+19G>A (NM_001351297.2); c.2475+19G>A (NM_001351296.2); c.2541+19G>A (NM_001351295.2); c.2478+19G>A (NM_001287174.3).
Identifiers: ClinVar variation 556366 (VCV000556366.3), dbSNP rs373894772, ClinGen allele CA5903125.

ClinVar aggregate classification (germline): Uncertain significance. Review status: criteria provided, single submitter (1 of 4 stars). 3 submissions from 2 submitters: Uncertain significance (2). 1 of the submissions does not count toward it.

Conditions:
Transitory neonatal diabetes mellitus. Also called: Transient neonatal diabetes mellitus. Identifiers: MedGen C0342273, MONDO:0020525, HP:0008255.
Maturity-onset diabetes of the young (MODY). Also called: Maturity onset diabetes mellitus in young. Identifiers: Orphanet 552, MedGen C0342276, MONDO:0018911, HP:0004904.
Hyperinsulinemic hypoglycemia, familial, 1 (HHF1). Also called: Persistent hyperinsulinemic hypoglycemia of infancy; HYPERINSULINISM, FAMILIAL, WITH PANCREATIC NESIDIOBLASTOSIS; HYPOGLYCEMIA, HYPERINSULINEMIC, OF INFANCY; NESIDIOBLASTOSIS OF PANCREAS; Persistent Hyperinsulinemia Hypoglycemia of Infancy. Identifiers: Orphanet 276575, Orphanet 276598, MedGen C2931832, MONDO:0009734, OMIM 256450.

Allele frequency attached by ClinVar (database versions not stated): gnomAD exomes below 0.00001 and 0.00001; ExAC 0.00002; ESP Exome Variant Server 0.00008.
gnomAD v4.1: 1 of 1,614,206 alleles (0.000062%); highest among the groups gnomAD compares: Non-Finnish European, 0.000085%; no homozygotes.

Submissions (3):

Clinical Genomics, Uppaluri K&H Personalized Medicine Clinic
Classification: Uncertain significance for Maturity-onset diabetes of the young. Review status: criteria provided, single submitter. Criteria: K & H Uppaluri Personalized Medicine Clinic Variant Classification & Assertion Criteria_Updated V.1. Collection method: research. Allele origin: unknown. Inheritance: Somatic mutation.
Comment: Mutations in ABCC8 gene are associated with both neonatal diabetes mellitus as well as MODY. Patients with this mutation may have a better response to sulfonylureas. However, no sufficient evidence is found to ascertain the role of this particular variant ( rs373894772) in MODY yet.

Clinical Genomics, Uppaluri K&H Personalized Medicine Clinic
Classification: Uncertain significance for Transitory neonatal diabetes mellitus. Review status: criteria provided, single submitter. Criteria: K & H Uppaluri Personalized Medicine Clinic Variant Classification & Assertion Criteria_Updated V.1. Collection method: research. Allele origin: unknown. Inheritance: Somatic mutation.
Comment: Mutations in ABCC8 gene are associated with both neonatal diabetes mellitus as well as MODY. Patients with this mutation may have a better response to sulfonylureas. However, no sufficient evidence is found to ascertain the role of this particular variant ( rs373894772) in neonatal diabetes yet.

Counsyl
Classification: Likely benign for Hyperinsulinemic hypoglycemia, familial, 1. Last evaluated: 2018-01-25. Review status: no assertion criteria provided. Collection method: clinical testing. Allele origin: unknown. Not counted in ClinVar's aggregate classification.

Literature cited by the submitters: PubMed 16885549 (cited by Clinical Genomics, Uppaluri K&H Personalized Medicine Clinic); PubMed 21989597 (cited by Clinical Genomics, Uppaluri K&H Personalized Medicine Clinic); PubMed 27538677 (cited by Clinical Genomics, Uppaluri K&H Personalized Medicine Clinic); PubMed 18981553 (cited by Clinical Genomics, Uppaluri K&H Personalized Medicine Clinic); PubMed 32027066 (cited by Clinical Genomics, Uppaluri K&H Personalized Medicine Clinic); PubMed 16613899 (cited by Clinical Genomics, Uppaluri K&H Personalized Medicine Clinic); PubMed 18025408 (cited by Clinical Genomics, Uppaluri K&H Personalized Medicine Clinic); PubMed 32792356 (cited by Clinical Genomics, Uppaluri K&H Personalized Medicine Clinic).